The following is an entry in ClinVar:

ClinVar aggregate classification (germline): Benign. Review status: criteria provided, multiple submitters, no conflicts (2 of 4 stars). 14 submissions from 8 submitters: Benign (12). 2 of the submissions do not count toward it. Last evaluated 2026-02-04.

Conditions:
Cone-rod dystrophy 12 (CORD12). Identifiers: Orphanet 1872, MedGen C2675210, MONDO:0012983, OMIM 612657.
Retinal macular dystrophy type 2 (MCDR2). Also called: Bull's eye macular dystrophy. Identifiers: Orphanet 319640, MedGen C4749334, MONDO:0011957, OMIM 608051.
Stargardt disease 4 (STGD4). Identifiers: Orphanet 827, MedGen C1863534, MONDO:0011370, OMIM 603786.
Retinitis pigmentosa 41 (RP41). Also called: RETINAL DEGENERATION, AUTOSOMAL RECESSIVE, PROMININ-RELATED. Identifiers: Orphanet 791, MedGen C2677516, MONDO:0012796, OMIM 612095.
Retinitis pigmentosa (RP). Identifiers: Orphanet 791, MedGen C0035334, MeSH D012174, MONDO:0019200, OMIM 268000. Inheritance: Autosomal dominant, autosomal recessive and X linked inheritance.

Allele frequency attached by ClinVar (database versions not stated): 1000 Genomes Project 0.29613; 1000 Genomes Project 30x 0.29716; TOPMed 0.37525; gnomAD 0.39397 and 0.39464; ESP Exome Variant Server 0.42399; gnomAD exomes 0.44886 and 0.51859; ExAC 0.45183.
gnomAD v4.1: 814,234 of 1,609,956 alleles (51%); highest among the groups gnomAD compares: Non-Finnish European, 55%; 217,307 homozygotes.

Submissions (14):

Labcorp Genetics (formerly Invitae), Labcorp
Classification: Benign. Last evaluated: 2026-02-04. Review status: criteria provided, single submitter. Criteria: Invitae Variant Classification Sherloc (09022015). Collection method: clinical testing. Allele origin: germline.

Genome-Nilou Lab
Classification: Benign for Cone-rod dystrophy 12. Last evaluated: 2021-10-25. Review status: criteria provided, single submitter. Criteria: ACMG Guidelines, 2015. Collection method: clinical testing. Allele origin: germline. Affected: no.

Genome-Nilou Lab
Classification: Benign for Retinal macular dystrophy type 2. Last evaluated: 2021-10-25. Review status: criteria provided, single submitter. Criteria: ACMG Guidelines, 2015. Collection method: clinical testing. Allele origin: germline. Affected: no.

Genome-Nilou Lab
Classification: Benign for Retinitis pigmentosa 41. Last evaluated: 2021-10-25. Review status: criteria provided, single submitter. Criteria: ACMG Guidelines, 2015. Collection method: clinical testing. Allele origin: germline. Affected: no.

Genome-Nilou Lab
Classification: Benign for Stargardt disease 4. Last evaluated: 2021-10-25. Review status: criteria provided, single submitter. Criteria: ACMG Guidelines, 2015. Collection method: clinical testing. Allele origin: germline. Affected: no.

GeneDx
Classification: Benign. Last evaluated: 2018-05-24. Review status: criteria provided, single submitter. Criteria: GeneDx Variant Classification (06012015). Collection method: clinical testing. Allele origin: germline. Affected: yes.
Comment: This variant is considered likely benign or benign based on one or more of the following criteria: it is a conservative change, it occurs at a poorly conserved position in the protein, it is predicted to be benign by multiple in silico algorithms, and/or has population frequency not consistent with disease.

Illumina Laboratory Services, Illumina
Classification: Benign for Retinitis pigmentosa. Last evaluated: 2018-01-13. Review status: criteria provided, single submitter. Criteria: ICSL Variant Classification Criteria 13 December 2019. Collection method: clinical testing. Allele origin: germline.
Comment: This variant was observed in the ICSL laboratory as part of a predisposition screen in an ostensibly healthy population. It had not been previously curated by ICSL or reported in the Human Gene Mutation Database (HGMD: prior to June 1st, 2018), and was therefore a candidate for classification through an automated scoring system. Utilizing variant allele frequency, disease prevalence and penetrance estimates, and inheritance mode, an automated score was calculated to assess if this variant is too frequent to cause the disease. Based on the score and internal cut-off values, a variant classified as benign is not then subjected to further curation. The score for this variant resulted in a classification of benign for this disease.

Illumina Laboratory Services, Illumina
Classification: Benign for Stargardt disease 4. Last evaluated: 2018-01-13. Review status: criteria provided, single submitter. Criteria: ICSL Variant Classification Criteria 13 December 2019. Collection method: clinical testing. Allele origin: germline.
Comment: the same text as in the submission from Illumina Laboratory Services, Illumina above.

Illumina Laboratory Services, Illumina
Classification: Benign for Retinal macular dystrophy type 2. Last evaluated: 2018-01-13. Review status: criteria provided, single submitter. Criteria: ICSL Variant Classification Criteria 13 December 2019. Collection method: clinical testing. Allele origin: germline.
Comment: the same text as in the submission from Illumina Laboratory Services, Illumina above.

Illumina Laboratory Services, Illumina
Classification: Benign for Cone-rod dystrophy 12. Last evaluated: 2018-01-13. Review status: criteria provided, single submitter. Criteria: ICSL Variant Classification Criteria 13 December 2019. Collection method: clinical testing. Allele origin: germline.
Comment: the same text as in the submission from Illumina Laboratory Services, Illumina above.

Breakthrough Genomics
Classification: Benign. Review status: criteria provided, single submitter. Criteria: ACMG Guidelines, 2015. Collection method: not provided. Allele origin: germline. Inheritance: Autosomal recessive inheritance. Affected: yes.

PreventionGenetics, part of Exact Sciences
Classification: Benign. Review status: criteria provided, single submitter. Criteria: ACMG Guidelines, 2015. Collection method: clinical testing. Allele origin: germline.

Diagnostic Laboratory, Department of Genetics, University Medical Center Groningen
Classification: Benign. Review status: no assertion criteria provided. Collection method: clinical testing. Allele origin: germline. Affected: yes. Study: VKGL Data-share Consensus. Not counted in ClinVar's aggregate classification.

Joint Genome Diagnostic Labs from Nijmegen and Maastricht, Radboudumc and MUMC+
Classification: Benign. Review status: no assertion criteria provided. Collection method: clinical testing. Allele origin: germline. Affected: yes. Study: VKGL Data-share Consensus. Not counted in ClinVar's aggregate classification.

NM_006017.3(PROM1):c.303+6G>A

Gene: PROM1 (prominin 1; minus strand). Cytogenetic location: 4p15.32.
Variant type: single nucleotide variant.
Coding change: c.303+6G>A on transcript NM_006017.3 (MANE Select); 6 bases into the intron after coding-DNA position 303, G replaced by A.
Molecular consequence: intron variant.
Genome position (GRCh38, 1-based): chr4:16,035,729, C>T on the plus strand (G>A on the coding strand, the complement: PROM1 is on the minus strand). VCF-style: chr4-16035729-C-T. GRCh37 (hg19) VCF-style: chr4-16037352-C-T.
Other names: c.277-2220G>A (NM_001145848.2, NM_001145852.2, NM_001145847.2 and 4 more transcripts); c.303+6G>A (NM_001145850.2, NM_001145849.2).
Identifiers: ClinVar variation 259906 (VCV000259906.22), dbSNP rs2078622, ClinGen allele CA2867118.